The following is an entry in ClinVar:

ClinVar aggregate classification (germline): Pathogenic/Likely pathogenic. Review status: criteria provided, multiple submitters, no conflicts (2 of 4 stars). 3 submissions from 3 submitters: Pathogenic (1); Likely pathogenic (1). 1 of the submissions does not count toward it. Last evaluated 2025-01-15.

Conditions:
Familial cancer of breast. Also called: hereditary breast carcinoma; BREAST CANCER, FAMILIAL; Hereditary breast cancer. Identifiers: Orphanet 227535, MedGen C0346153, MONDO:0016419, OMIM 114480. Disease mechanism: loss of function.
Ataxia-telangiectasia syndrome (AT). Also called: Ataxia-telangiectasia, complementation group D; AT, COMPLEMENTATION GROUP C; Ataxia-telangiectasia, complementation group E; LOUIS-BAR SYNDROME; Cerebello-oculocutaneous telangiectasia; Immunodeficiency with ataxia telangiectasia. Identifiers: Orphanet 100, MedGen C0004135, MONDO:0008840, OMIM 208900.

Submissions (3):

Labcorp Genetics (formerly Invitae), Labcorp
Classification: Pathogenic for Ataxia-telangiectasia syndrome. Last evaluated: 2025-01-15. Review status: criteria provided, single submitter. Criteria: Invitae Variant Classification Sherloc (09022015). Collection method: clinical testing. Allele origin: germline.
Comment: This sequence change affects a donor splice site in intron 29 of the ATM gene. It is expected to disrupt RNA splicing. Variants that disrupt the donor or acceptor splice site typically lead to a loss of protein function (PMID: 16199547), and loss-of-function variants in ATM are known to be pathogenic (PMID: 23807571, 25614872). This variant is not present in population databases (gnomAD no frequency). Disruption of this splice site has been observed in individual(s) with clinical features of ataxia-telangiectasia (internal data). In at least one individual the data is consistent with being in trans (on the opposite chromosome) from a pathogenic variant. ClinVar contains an entry for this variant (Variation ID: 554163). Algorithms developed to predict the effect of sequence changes on RNA splicing suggest that this variant may disrupt the consensus splice site. For these reasons, this variant has been classified as Pathogenic.

Myriad Genetics, Inc.
Classification: Likely pathogenic for Familial cancer of breast. Last evaluated: 2024-01-24. Review status: criteria provided, single submitter. Criteria: Myriad Autosomal Dominant, Autosomal Recessive and X-Linked Classification Criteria (2023). Collection method: clinical testing. Allele origin: unknown.
Comment: This variant is considered likely pathogenic. This variant occurs within a consensus splice junction and is predicted to result in abnormal mRNA splicing of either an out-of-frame exon or an in-frame exon necessary for protein stability and/or normal function.

Counsyl
Classification: Likely pathogenic for Ataxia-telangiectasia syndrome. Last evaluated: 2017-09-29. Review status: no assertion criteria provided. Collection method: clinical testing. Allele origin: unknown. Not counted in ClinVar's aggregate classification.

Literature cited by the submitters: PubMed 16199547 (cited by Labcorp Genetics (formerly Invitae), Labcorp); PubMed 23807571 (cited by Labcorp Genetics (formerly Invitae), Labcorp); PubMed 25614872 (cited by Labcorp Genetics (formerly Invitae), Labcorp).

NM_000051.4(ATM):c.4436+1G>T

Gene: ATM (ATM serine/threonine kinase; plus strand). Cytogenetic location: 11q22.3.
Variant type: single nucleotide variant.
Coding change: c.4436+1G>T on transcript NM_000051.4 (MANE Select); the canonical splice donor site of the intron after coding-DNA position 4436, G replaced by T.
Molecular consequence: splice donor variant.
Genome position (GRCh38, 1-based): chr11:108,289,802, G>T. VCF-style: chr11-108289802-G-T. GRCh37 (hg19) VCF-style: chr11-108160529-G-T.
Other names: c.4436+1G>T (NM_001351834.2).
Identifiers: ClinVar variation 554163 (VCV000554163.6), dbSNP rs1555097894, ClinGen allele CA382532300.